The following is an entry in ClinVar:

NM_177438.3(DICER1):c.3238G>A (p.Val1080Met)

Gene: DICER1 (dicer 1, ribonuclease III; minus strand). Cytogenetic location: 14q32.13.
Variant type: single nucleotide variant.
Coding change: c.3238G>A on transcript NM_177438.3 (MANE Select); coding-DNA position 3238, G replaced by A.
Protein change: p.Val1080Met; replaces valine 1080 with methionine.
Molecular consequence: missense variant.
Genome position (GRCh38, 1-based): chr14:95,105,102, C>T on the plus strand (G>A on the coding strand, the complement: DICER1 is on the minus strand). VCF-style: chr14-95105102-C-T. GRCh37 (hg19) VCF-style: chr14-95571439-C-T.
Other names: c.3238G>A, p.Val1080Met (NM_001195573.1, NM_001271282.3, NM_001291628.2 and 1 more transcripts); short protein forms V1080M.
Identifiers: ClinVar variation 823251 (VCV000823251.15), dbSNP rs1595370568, ClinGen allele CA390876381.
Genomic context (GRCh38, chr14:95,105,102, plus strand): 5'-GTTCTTTCTGGCTGACTGCACAGGCATACCTAAAATCCGCAGGAAGTGATCTGACTCCCA[C>T]GCCAGCATCGCTGGCAGTCTGGGCTCTTAGCTCCTCTGCAGTCAAAAGGCAGTGAAGGCG-3'
Protein context (NP_803187.1, residues 1070-1090): LRAQTASDAG[Val1080Met]GVRSLPADFR

ClinVar aggregate classification (germline): Uncertain significance. Review status: criteria provided, multiple submitters, no conflicts (2 of 4 stars). 2 submissions from 2 submitters: Uncertain significance (2). Last evaluated 2019-11-20.

Conditions:
DICER1-related tumor predisposition. Also called: DICER1-related pleuropulmonary blastoma cancer predisposition syndrome; DICER1 syndrome. Identifiers: Orphanet 284343, MedGen C3839822, MONDO:0100216.
Hereditary cancer-predisposing syndrome. Also called: Hereditary Cancer Syndrome; Neoplastic Syndromes, Hereditary; Hereditary neoplastic syndrome; Tumor predisposition. Identifiers: Orphanet 140162, MedGen C0027672, MeSH D009386, MONDO:0015356.

Submissions (2):

Labcorp Genetics (formerly Invitae), Labcorp
Classification: Uncertain significance for DICER1-related tumor predisposition. Last evaluated: 2019-11-20. Review status: criteria provided, single submitter. Criteria: Invitae Variant Classification Sherloc (09022015). Collection method: clinical testing. Allele origin: germline.
Comment: This variant has not been reported in the literature in individuals with DICER1-related conditions. Algorithms developed to predict the effect of missense changes on protein structure and function are either unavailable or do not agree on the potential impact of this missense change (SIFT: "Tolerated"; PolyPhen-2: "Probably Damaging"; Align-GVGD: "Class C0"). In summary, the available evidence is currently insufficient to determine the role of this variant in disease. Therefore, it has been classified as a Variant of Uncertain Significance. This variant is not present in population databases (ExAC no frequency). This sequence change replaces valine with methionine at codon 1080 of the DICER1 protein (p.Val1080Met). The valine residue is highly conserved and there is a small physicochemical difference between valine and methionine.

Ambry Genetics
Classification: Uncertain significance for Hereditary cancer-predisposing syndrome. Last evaluated: 2019-07-31. Review status: criteria provided, single submitter. Criteria: Ambry Variant Classification Scheme 2023. Collection method: clinical testing. Allele origin: germline.
Comment: The p.V1080M variant (also known as c.3238G>A), located in coding exon 19 of the DICER1 gene, results from a G to A substitution at nucleotide position 3238. The valine at codon 1080 is replaced by methionine, an amino acid with highly similar properties. This amino acid position is highly conserved in available vertebrate species. In addition, the in silico prediction for this alteration is inconclusive. Since supporting evidence is limited at this time, the clinical significance of this alteration remains unclear.